The following is an entry in ClinVar:

NM_004991.4(MECOM):c.1727A>T (p.Gln576Leu)

Gene: MECOM (MDS1 and EVI1 complex locus; minus strand). Cytogenetic location: 3q26.2.
Variant type: single nucleotide variant.
Coding change: c.1727A>T on transcript NM_004991.4 (MANE Select); coding-DNA position 1727, A replaced by T.
Protein change: p.Gln576Leu; replaces glutamine 576 with leucine.
Molecular consequence: missense variant. On other transcripts: intron variant (2).
Genome position (GRCh38, 1-based): chr3:169,116,145, T>A on the plus strand (A>T on the coding strand, the complement: MECOM is on the minus strand). VCF-style: chr3-169116145-T-A. GRCh37 (hg19) VCF-style: chr3-168833933-T-A.
Other names: c.1358A>T, p.Gln453Leu (NM_001105077.4); c.1163A>T, p.Gln388Leu (NM_001105078.4, NM_001164000.2, NM_001205194.2 and 4 more transcripts); c.1166A>T, p.Gln389Leu (NM_001163999.2, NM_001366467.2, NM_001366468.2 and 1 more transcripts); c.1727A>T, p.Gln576Leu (NM_001366466.2); c.1133-378A>T (NM_001366473.2); c.569-378A>T (NM_001366474.2); short protein forms Q453L, Q576L, Q389L, Q388L.
Identifiers: ClinVar variation 4105751 (VCV004105751.1).

ClinVar aggregate classification (germline): Uncertain significance (1 of 4 stars; one submission).

Conditions:
Inborn genetic diseases. Identifiers: MedGen C0950123, MeSH D030342.

Submission:

Ambry Genetics
Classification: Uncertain significance for Inborn genetic diseases. Last evaluated: 2025-07-03. Review status: criteria provided, single submitter. Criteria: Ambry Variant Classification Scheme 2023. Collection method: clinical testing. Allele origin: germline.
Comment: The p.Q576L variant (also known as c.1727A>T), located in coding exon 8 of the MECOM gene, results from an A to T substitution at nucleotide position 1727. The glutamine at codon 576 is replaced by leucine, an amino acid with dissimilar properties. This amino acid position is conserved. In addition, this alteration is predicted to be tolerated by in silico analysis. Based on the available evidence, the clinical significance of this variant remains unclear.